The following is an entry in ClinVar:

NM_001349253.2(SCN11A):c.3093C>T (p.Ser1031=)

Gene: SCN11A (sodium voltage-gated channel alpha subunit 11; minus strand). Cytogenetic location: 3p22.2.
Variant type: single nucleotide variant.
Coding change: c.3093C>T on transcript NM_001349253.2 (MANE Select); coding-DNA position 3093, C replaced by T.
Protein change: p.Ser1031=; no amino-acid change (serine 1031 retained).
Molecular consequence: synonymous variant.
Genome position (GRCh38, 1-based): chr3:38,883,359, G>A on the plus strand (C>T on the coding strand, the complement: SCN11A is on the minus strand). VCF-style: chr3-38883359-G-A. GRCh37 (hg19) VCF-style: chr3-38924850-G-A.
Other names: c.3093C>T, p.Ser1031= (NM_014139.3); c.3093C>T (NM_014139.2).
Identifiers: ClinVar variation 1157131 (VCV001157131.8), dbSNP rs759849645, ClinGen allele CA2321871.
Genomic context (GRCh38, chr3:38,883,359, plus strand): 5'-TTGGTAGCAGGTTTTCCGCAGGTTCCACCAAATGACCCAGGGAGGCTTTCTCTTGTCCAC[G>A]CTACAGCATGGAAAGCAGCAACCAAAGCCTGAAAGGAATTAATGGTAGCACTATCATTAG-3'
Protein context (NP_001336182.1, residues 1021-1041): KGFGCCFPCC[Ser1031=]VDKRKPPWVI

ClinVar aggregate classification (germline): Likely benign. Review status: criteria provided, multiple submitters, no conflicts (2 of 4 stars). 2 submissions from 2 submitters: Likely benign (2). Last evaluated 2025-12-16.

Conditions:
SCN11A-related disorder. Also called: SCN11A-related condition.
Familial episodic pain syndrome with predominantly lower limb involvement. Also called: Episodic pain syndrome, familial, 3. Identifiers: Orphanet 391384, Orphanet 391392, MedGen C3809899, MONDO:0014247, OMIM 615552.
Hereditary sensory and autonomic neuropathy type 7. Also called: HSAN VII; Neuropathy, hereditary sensory and autonomic, type VII. Identifiers: Orphanet 391397, MedGen C3809882, MONDO:0014244, OMIM 615548.

gnomAD v4.1: 27 of 1,613,712 alleles (0.0017%); highest among the groups gnomAD compares: Admixed American, 0.025%; no homozygotes.

Submissions (2):

PreventionGenetics, part of Exact Sciences
Classification: Likely benign for SCN11A-related condition. Last evaluated: 2025-12-16. Review status: criteria provided, single submitter. Criteria: ACMG Guidelines, 2015. Collection method: clinical testing. Allele origin: germline.
Comment: This variant is classified as likely benign based on ACMG/AMP sequence variant interpretation guidelines (Richards et al. 2015 PMID: 25741868, with internal and published modifications).

Labcorp Genetics (formerly Invitae), Labcorp
Classification: Likely benign for Familial episodic pain syndrome with predominantly lower limb involvement; Hereditary sensory and autonomic neuropathy type 7. Last evaluated: 2021-03-15. Review status: criteria provided, single submitter. Criteria: Invitae Variant Classification Sherloc (09022015). Collection method: clinical testing. Allele origin: germline.